The following is an entry in ClinVar:

ClinVar aggregate classification (germline): Pathogenic (1 of 4 stars; one submission).

Conditions:
Deficiency of mevalonate kinase. Also called: Mevalonate kinase deficiency. Identifiers: Orphanet 309025, MedGen C0342731, MONDO:0017708.

gnomAD v4.1: 1 of 1,613,328 alleles (0.000062%); highest among the groups gnomAD compares: Non-Finnish European, 0.000085%; no homozygotes.

Submission:

Myriad Genetics, Inc.
Classification: Pathogenic for Deficiency of mevalonate kinase. Last evaluated: 2025-01-20. Review status: criteria provided, single submitter. Criteria: Myriad Autosomal Dominant, Autosomal Recessive and X-Linked Classification Criteria (2023). Collection method: clinical testing. Allele origin: unknown.
Comment: NM_000431.2(MVK):c.530G>A(W177*) is expected to be pathogenic in the context of mevalonate kinase deficiency. This variant is predicted to lead to an abnormal or absent protein product due to the creation of a premature termination codon in MVK, a gene where loss-of-function variants are known to be pathogenic. Please note: this variant was assessed in the context of healthy population screening.

NM_000431.4(MVK):c.530G>A (p.Trp177Ter)

Gene: MVK (mevalonate kinase; plus strand). Cytogenetic location: 12q24.11.
Variant type: single nucleotide variant.
Coding change: c.530G>A on transcript NM_000431.4 (MANE Select); coding-DNA position 530, G replaced by A.
Protein change: p.Trp177Ter; replaces tryptophan 177 with a stop codon.
Molecular consequence: nonsense. On other transcripts: 5 prime UTR variant (1), non-coding transcript variant (4).
Genome position (GRCh38, 1-based): chr12:109,586,024, G>A. VCF-style: chr12-109586024-G-A. GRCh37 (hg19) VCF-style: chr12-110023829-G-A.
Other names: c.530G>A, p.Trp177Ter (NM_001414513.1, NM_001114185.3, NM_001414511.1 and 1 more transcripts); c.374G>A, p.Trp125Ter (NM_001414514.1, NM_001301182.2); c.-53G>A (NM_001414515.1); short protein forms W125*, W177*.
Identifiers: ClinVar variation 5013989 (VCV005013989.1).